The following is an entry in ClinVar:

NM_001206927.2(DNAH8):c.6679C>T (p.Gln2227Ter)

Gene: DNAH8 (dynein axonemal heavy chain 8; plus strand). Cytogenetic location: 6p21.2.
Variant type: single nucleotide variant.
Coding change: c.6679C>T on transcript NM_001206927.2 (MANE Select); coding-DNA position 6679, C replaced by T.
Protein change: p.Gln2227Ter; replaces glutamine 2227 with a stop codon.
Molecular consequence: nonsense.
Genome position (GRCh38, 1-based): chr6:38,866,862, C>T. VCF-style: chr6-38866862-C-T. GRCh37 (hg19) VCF-style: chr6-38834638-C-T.
Other names: c.6028C>T, p.Gln2010Ter (NM_001371.4); short protein forms Q2227*, Q2010*.
Identifiers: ClinVar variation 1455659 (VCV001455659.6), dbSNP rs777610268, ClinGen allele CA3789726.

ClinVar aggregate classification (germline): Pathogenic (1 of 4 stars; one submission).

Conditions:
Primary ciliary dyskinesia. Also called: Ciliary dyskinesia. Identifiers: Orphanet 244, MedGen C0008780, MONDO:0016575, HP:0012265.

Allele frequency attached by ClinVar (database versions not stated): TOPMed 0.00001.
gnomAD v4.1: 5 of 1,603,960 alleles (0.00031%); highest among the groups gnomAD compares: Admixed American, 0.0084%; no homozygotes.

Submission:

Labcorp Genetics (formerly Invitae), Labcorp
Classification: Pathogenic for Primary ciliary dyskinesia. Last evaluated: 2021-07-01. Review status: criteria provided, single submitter. Criteria: Invitae Variant Classification Sherloc (09022015). Collection method: clinical testing. Allele origin: germline.
Comment: For these reasons, this variant has been classified as Pathogenic. Algorithms developed to predict the effect of sequence changes on RNA splicing suggest that this variant may create or strengthen a splice site. This variant has not been reported in the literature in individuals affected with DNAH8-related conditions. This variant is present in population databases (rs777610268, ExAC 0.04%). This sequence change creates a premature translational stop signal (p.Gln2227*) in the DNAH8 gene. It is expected to result in an absent or disrupted protein product. Loss-of-function variants in DNAH8 are known to be pathogenic (PMID: 24307375, 32619401, 32681648).

Literature cited by the submitters: PubMed 24307375; PubMed 32619401; PubMed 32681648.